The following is an entry in ClinVar:

NM_012309.5(SHANK2):c.3918C>T (p.Ser1306=)

Gene: SHANK2 (SH3 and multiple ankyrin repeat domains 2; minus strand). Cytogenetic location: 11q13.3.
Variant type: single nucleotide variant.
Coding change: c.3918C>T on transcript NM_012309.5 (MANE Select); coding-DNA position 3918, C replaced by T.
Protein change: p.Ser1306=; no amino-acid change (serine 1306 retained).
Molecular consequence: synonymous variant.
Genome position (GRCh38, 1-based): chr11:70,486,375, G>A on the plus strand (C>T on the coding strand, the complement: SHANK2 is on the minus strand). VCF-style: chr11-70486375-G-A. GRCh37 (hg19) VCF-style: chr11-70332480-G-A.
Other names: c.2781C>T, p.Ser927= (NM_001379226.1); c.2154C>T, p.Ser718= (NM_133266.5).
Identifiers: ClinVar variation 3043855 (VCV003043855.1), dbSNP rs1050306196, ClinGen allele CA475700319.

ClinVar aggregate classification (germline): Likely benign (1 of 4 stars; one submission).

Conditions:
SHANK2-related disorder.

Submission:

PreventionGenetics, part of Exact Sciences
Classification: Likely benign for SHANK2-related condition. Last evaluated: 2023-12-05. Review status: criteria provided, single submitter. Criteria: ACMG Guidelines, 2015. Collection method: clinical testing. Allele origin: germline.
Comment: This variant is classified as likely benign based on ACMG/AMP sequence variant interpretation guidelines (Richards et al. 2015 PMID: 25741868, with internal and published modifications).